The following is an entry in ClinVar:

ClinVar aggregate classification (germline): Likely pathogenic (0 of 4 stars; one submission).

Conditions:
Alexander disease (ALXDRD). Also called: Alexander's disease. Identifiers: Orphanet 58, MedGen C0270726, MONDO:0008752, OMIM 203450.

Submission:

Baylor Genetics
Classification: Likely pathogenic for Alexander disease. Last evaluated: 2015-04-30. Review status: no assertion criteria provided. Collection method: clinical testing. Allele origin: de novo. Inheritance: Autosomal dominant inheritance. Affected: yes. Observed: 1 variant allele, 1 heterozygote.

NM_002055.5(GFAP):c.215A>G (p.Glu72Gly)

Gene: GFAP (glial fibrillary acidic protein; minus strand). Cytogenetic location: 17q21.31.
Variant type: single nucleotide variant.
Coding change: c.215A>G on transcript NM_002055.5 (MANE Select); coding-DNA position 215, A replaced by G.
Protein change: p.Glu72Gly; replaces glutamic acid 72 with glycine.
Molecular consequence: missense variant.
Genome position (GRCh38, 1-based): chr17:44,915,272, T>C on the plus strand (A>G on the coding strand, the complement: GFAP is on the minus strand). VCF-style: chr17-44915272-T-C. GRCh37 (hg19) VCF-style: chr17-42992640-T-C.
Other names: c.215A>G, p.Glu72Gly (NM_001131019.3, NM_001242376.3, NM_001363846.2); short protein forms E72G.
Identifiers: ClinVar variation 374303 (VCV000374303.2), dbSNP rs1057518685, ClinGen allele CA16043694.